The following is an entry in ClinVar:

ClinVar aggregate classification (germline): Pathogenic/Likely pathogenic. Review status: criteria provided, multiple submitters, no conflicts (2 of 4 stars). 2 submissions from 2 submitters: Pathogenic (1); Likely pathogenic (1). Last evaluated 2023-12-21.

Conditions:
Cardiovascular phenotype. Identifiers: MedGen CN230736.
Hypertrophic cardiomyopathy 2. Also called: TNNT2-Related Familial Hypertrophic Cardiomyopathy. Identifiers: MedGen C1861864, MONDO:0007266, OMIM 115195.
Dilated cardiomyopathy 1D. Identifiers: Orphanet 154, Orphanet 54260, MedGen C1832243, MONDO:0011095, OMIM 601494.
Cardiomyopathy, familial restrictive, 3. Identifiers: Orphanet 75249, MedGen C2676271, MONDO:0012900, OMIM 612422.

Submissions (9):

Ambry Genetics
Classification: Likely pathogenic for Cardiovascular phenotype. Last evaluated: 2023-12-21. Review status: criteria provided, single submitter. Criteria: Ambry Variant Classification Scheme 2023. Collection method: clinical testing. Allele origin: germline.
Comment: The c.821+1G>C intronic variant results from a G to C substitution one nucleotide after coding exon 14 of the TNNT2 gene. This variant has been detected in unrelated probands with hypertrophic cardiomyopathy (Walsh R et al. Genet Med, 2017 Feb;19:192-203). Another alteration impacting the same donor site (c.821+1G>A) has also been reported in association with hypertrophic cardiomyopathy and demonstrated aberrant splicing and impaired protein function (Watkins H et al. Nat. Genet., 1993 Apr;3:333-7; Thierfelder L et al. Cell, 1994 Jun;77:701-12; Tardiff JC et al. J. Clin. Invest., 1998 Jun;101:2800-11; Szczesna D et al. J. Biol. Chem., 2000 Jan;275:624-30; Becker JR et al. Dis Model Mech, 2011 May;4:400-10). This variant is considered to be rare based on population cohorts in the Genome Aggregation Database (gnomAD). This nucleotide position is highly conserved in available vertebrate species. In addition, alterations that disrupt the canonical splice site are expected to cause aberrant splicing resulting in an abnormal protein. In silico splice site analysis predicts that this alteration will weaken the native splice donor site and may result in the creation or strengthening of a novel splice donor site. Based on the majority of available evidence to date, this variant is likely to be pathogenic.

Labcorp Genetics (formerly Invitae), Labcorp
Classification: Pathogenic for Cardiomyopathy, familial restrictive, 3; Hypertrophic cardiomyopathy 2; Dilated cardiomyopathy 1D. Last evaluated: 2020-10-14. Review status: criteria provided, single submitter. Criteria: Invitae Variant Classification Sherloc (09022015). Collection method: clinical testing. Allele origin: germline.
Comment: This sequence change falls in intron 15 of the TNNT2 gene. It does not directly change the encoded amino acid sequence of the TNNT2 protein. It affects a nucleotide within the consensus splice site of the intron. This variant is not present in population databases (ExAC no frequency). Disruption of this splice site has been observed in individual(s) with hypertrophic cardiomyopathy (PMID: 27532257, 8205619, 7898523). It has also been observed to segregate with disease in related individuals. Experimental studies have shown that disruption of this splice site affects TNNT2 protein function (PMID: 15568820, 27036851, 10617660, 21245263, 9637714, 10850966). Nucleotide substitutions within the consensus splice site are a relatively common cause of aberrant splicing (PMID: 17576681, 9536098). Algorithms developed to predict the effect of sequence changes on RNA splicing suggest that this variant may disrupt the consensus splice site, but this prediction has not been confirmed by published transcriptional studies. For these reasons, this variant has been classified as Pathogenic.

Dr. Peter K. Rogan Lab, Western University
No classification provided (evidence only). Condition: Ovarian serous cystadenocarcinoma. Review status: no classification provided. Collection method: in vitro. Allele origin: not applicable. Functional consequence: retained intron. Not counted in ClinVar's aggregate classification.

Dr. Peter K. Rogan Lab, Western University
No classification provided (evidence only). Condition: Ovarian serous cystadenocarcinoma. Review status: no classification provided. Collection method: in vitro. Allele origin: not applicable. Functional consequence: retained intron. Not counted in ClinVar's aggregate classification.

Dr. Peter K. Rogan Lab, Western University
No classification provided (evidence only). Condition: Ovarian serous cystadenocarcinoma. Review status: no classification provided. Collection method: in vitro. Allele origin: not applicable. Functional consequence: retained intron. Not counted in ClinVar's aggregate classification.

Dr. Peter K. Rogan Lab, Western University
No classification provided (evidence only). Condition: Ovarian serous cystadenocarcinoma. Review status: no classification provided. Collection method: in vitro. Allele origin: not applicable. Functional consequence: retained intron. Not counted in ClinVar's aggregate classification.

Dr. Peter K. Rogan Lab, Western University
No classification provided (evidence only). Condition: Ovarian serous cystadenocarcinoma. Review status: no classification provided. Collection method: in vitro. Allele origin: not applicable. Functional consequence: retained intron. Not counted in ClinVar's aggregate classification.

Dr. Peter K. Rogan Lab, Western University
No classification provided (evidence only). Condition: Ovarian serous cystadenocarcinoma. Review status: no classification provided. Collection method: in vitro. Allele origin: not applicable. Functional consequence: retained intron. Not counted in ClinVar's aggregate classification.

Dr. Peter K. Rogan Lab, Western University
No classification provided (evidence only). Condition: Ovarian serous cystadenocarcinoma. Review status: no classification provided. Collection method: in vitro. Allele origin: not applicable. Functional consequence: retained intron. Not counted in ClinVar's aggregate classification.

Literature cited by the submitters: PubMed 27532257 (cited by Ambry Genetics and Labcorp Genetics (formerly Invitae), Labcorp); PubMed 8205619 (cited by Labcorp Genetics (formerly Invitae), Labcorp); PubMed 7898523 (cited by Labcorp Genetics (formerly Invitae), Labcorp); PubMed 15568820 (cited by Labcorp Genetics (formerly Invitae), Labcorp); PubMed 27036851 (cited by Labcorp Genetics (formerly Invitae), Labcorp); PubMed 10617660 (cited by Labcorp Genetics (formerly Invitae), Labcorp); PubMed 21245263 (cited by Labcorp Genetics (formerly Invitae), Labcorp); PubMed 9637714 (cited by Labcorp Genetics (formerly Invitae), Labcorp); PubMed 10850966 (cited by Labcorp Genetics (formerly Invitae), Labcorp); PubMed 17576681 (cited by Labcorp Genetics (formerly Invitae), Labcorp); PubMed 9536098 (cited by Labcorp Genetics (formerly Invitae), Labcorp).

NM_001276345.2(TNNT2):c.851+1G>C

Gene: TNNT2 (troponin T2, cardiac type; minus strand). Cytogenetic location: 1q32.1.
Variant type: single nucleotide variant.
Coding change: c.851+1G>C on transcript NM_001276345.2 (MANE Select); the canonical splice donor site of the intron after coding-DNA position 851, G replaced by C.
Molecular consequence: splice donor variant.
Genome position (GRCh38, 1-based): chr1:201,359,622, C>G on the plus strand (G>C on the coding strand, the complement: TNNT2 is on the minus strand). VCF-style: chr1-201359622-C-G. GRCh37 (hg19) VCF-style: chr1-201328750-C-G.
Other names: c.812+1G>C (NM_001406727.1, NM_001001431.3, NM_001406726.1); c.821+1G>C (NM_001406724.1, NM_001001430.3, NM_001276347.2); c.803+1G>C (NM_001001432.3); c.806+1G>C (NM_001406728.1); c.818+1G>C (NM_001406725.1); c.722+1G>C (NM_001276346.2); c.842+1G>C (NM_000364.4, NM_001406723.1).
Identifiers: ClinVar variation 181649 (VCV000181649.12), dbSNP rs111377893, ClinGen allele CA005203.